The following is an entry in ClinVar:

NM_016341.4(PLCE1):c.3892A>G (p.Ile1298Val)

Gene: PLCE1 (phospholipase C epsilon 1; plus strand). Cytogenetic location: 10q23.33.
Variant type: single nucleotide variant.
Coding change: c.3892A>G on transcript NM_016341.4 (MANE Select); coding-DNA position 3892, A replaced by G.
Protein change: p.Ile1298Val; replaces isoleucine 1298 with valine.
Molecular consequence: missense variant.
Genome position (GRCh38, 1-based): chr10:94,262,571, A>G. VCF-style: chr10-94262571-A-G. GRCh37 (hg19) VCF-style: chr10-96022328-A-G.
Other names: c.2968A>G, p.Ile990Val (NM_001165979.2); c.3844A>G, p.Ile1282Val (NM_001288989.2); short protein forms I1298V, I1282V, I990V.
Identifiers: ClinVar variation 2959084 (VCV002959084.3), dbSNP rs762769053, ClinGen allele CA5613014.

ClinVar aggregate classification (germline): Uncertain significance (1 of 4 stars; one submission).

Allele frequency attached by ClinVar (database versions not stated): ExAC 0.00001; gnomAD exomes 0.00001; TOPMed 0.00001.
gnomAD v4.1: 5 of 1,614,090 alleles (0.00031%); highest among the groups gnomAD compares: Admixed American, 0.0083%; no homozygotes.

Submission:

Labcorp Genetics (formerly Invitae), Labcorp
Classification: Uncertain significance. Last evaluated: 2023-08-10. Review status: criteria provided, single submitter. Criteria: Invitae Variant Classification Sherloc (09022015). Collection method: clinical testing. Allele origin: germline.
Comment: In summary, the available evidence is currently insufficient to determine the role of this variant in disease. Therefore, it has been classified as a Variant of Uncertain Significance. Advanced modeling of protein sequence and biophysical properties (such as structural, functional, and spatial information, amino acid conservation, physicochemical variation, residue mobility, and thermodynamic stability) has been performed at Invitae for this missense variant, however the output from this modeling did not meet the statistical confidence thresholds required to predict the impact of this variant on PLCE1 protein function. This variant has not been reported in the literature in individuals affected with PLCE1-related conditions. This variant is present in population databases (rs762769053, gnomAD 0.01%). This sequence change replaces isoleucine, which is neutral and non-polar, with valine, which is neutral and non-polar, at codon 1298 of the PLCE1 protein (p.Ile1298Val).